The following is an entry in ClinVar:

NM_006922.4(SCN3A):c.5569A>G (p.Thr1857Ala)

Gene: SCN3A (sodium voltage-gated channel alpha subunit 3; minus strand). Cytogenetic location: 2q24.3.
Variant type: single nucleotide variant.
Coding change: c.5569A>G on transcript NM_006922.4 (MANE Select); coding-DNA position 5569, A replaced by G.
Protein change: p.Thr1857Ala; replaces threonine 1857 with alanine.
Molecular consequence: missense variant.
Genome position (GRCh38, 1-based): chr2:165,090,584, T>C on the plus strand (A>G on the coding strand, the complement: SCN3A is on the minus strand). VCF-style: chr2-165090584-T-C. GRCh37 (hg19) VCF-style: chr2-165947094-T-C.
Other names: c.5422A>G, p.Thr1808Ala (NM_001081676.2, NM_001081677.2); short protein forms T1808A, T1857A.
Identifiers: ClinVar variation 5002737 (VCV005002737.1).

ClinVar aggregate classification (germline): Uncertain significance (1 of 4 stars; one submission).

Conditions:
Epilepsy, familial focal, with variable foci 4 (FFEVF4). Identifiers: MedGen C4693694, MONDO:0054776, OMIM 617935.

gnomAD v4.1: 1 of 1,613,942 alleles (0.000062%); highest among the groups gnomAD compares: Admixed American, 0.0017%; no homozygotes.

Submission:

OLLIN Analises Genomicas, OLLIN
Classification: Uncertain significance for Epilepsy, familial focal, with variable foci 4. Last evaluated: 2026-08-06. Review status: criteria provided, single submitter. Criteria: ACMG Guidelines 2015 PMID 25741868. Collection method: clinical testing. Allele origin: germline. Inheritance: Autosomal dominant inheritance.
Comment: This missense variant, located in exon 28 (of 28), has been observed in gnomAD with an allele frequency of 0.000062%, but has not been reported in ClinVar or identified in the literature. In silico analysis predicts that this variant has a deleterious effect. According to the currently available evidence, this variant has been classified as uncertain significance (PM2_P, PP3_M).